The following is an entry in ClinVar:

ClinVar aggregate classification (germline): Likely pathogenic (1 of 4 stars; one submission).

Submission:

Labcorp Genetics (formerly Invitae), Labcorp
Classification: Likely pathogenic. Last evaluated: 2025-03-18. Review status: criteria provided, single submitter. Criteria: Invitae Variant Classification Sherloc (09022015). Collection method: clinical testing. Allele origin: germline.
Comment: This sequence change affects an acceptor splice site in intron 3 of the RUNX2 gene. It is expected to disrupt RNA splicing. Variants that disrupt the donor or acceptor splice site typically lead to a loss of protein function (PMID: 16199547), and loss-of-function variants in RUNX2 are known to be pathogenic (PMID: 10521292, 11857736). This variant is not present in population databases (gnomAD no frequency). This variant has not been reported in the literature in individuals affected with RUNX2-related conditions. Algorithms developed to predict the effect of sequence changes on RNA splicing suggest that this variant may disrupt the consensus splice site. In summary, the currently available evidence indicates that the variant is pathogenic, but additional data are needed to prove that conclusively. Therefore, this variant has been classified as Likely Pathogenic.

Literature cited by the submitters: PubMed 16199547; PubMed 10521292; PubMed 11857736.

NM_001024630.4(RUNX2):c.424-1G>A

Gene: RUNX2 (RUNX family transcription factor 2; plus strand). Cytogenetic location: 6p21.1.
Variant type: single nucleotide variant.
Coding change: c.424-1G>A on transcript NM_001024630.4 (MANE Select); the canonical splice acceptor site of the intron before coding-DNA position 424, G replaced by A.
Molecular consequence: splice acceptor variant.
Genome position (GRCh38, 1-based): chr6:45,431,862, G>A. VCF-style: chr6-45431862-G-A. GRCh37 (hg19) VCF-style: chr6-45399599-G-A.
Other names: c.424-1G>A (NM_001015051.4); c.382-1G>A (NM_001369405.1, NM_001278478.2).
Identifiers: ClinVar variation 4715358 (VCV004715358.1).